The following is an entry in ClinVar:

ClinVar aggregate classification (germline): Uncertain significance. Review status: criteria provided, multiple submitters, no conflicts (2 of 4 stars). 3 submissions from 3 submitters: Uncertain significance (3). Last evaluated 2025-06-23.

Conditions:
Inborn genetic diseases. Identifiers: MedGen C0950123, MeSH D030342.

Allele frequency attached by ClinVar (database versions not stated): ExAC 0.00007; gnomAD exomes 0.00007; TOPMed 0.00011; gnomAD 0.00013 and 0.00014; ESP Exome Variant Server 0.00015.
gnomAD v4.1: 126 of 1,614,074 alleles (0.0078%); highest among the groups gnomAD compares: East Asian, 0.027%; 1 homozygote.

Submissions (3):

Labcorp Genetics (formerly Invitae), Labcorp
Classification: Uncertain significance. Last evaluated: 2025-06-23. Review status: criteria provided, single submitter. Criteria: Invitae Variant Classification Sherloc (09022015). Collection method: clinical testing. Allele origin: germline.
Comment: This sequence change replaces valine, which is neutral and non-polar, with methionine, which is neutral and non-polar, at codon 92 of the CSF2RB protein (p.Val92Met). This variant is present in population databases (rs200666918, gnomAD 0.01%). This variant has not been reported in the literature in individuals affected with CSF2RB-related conditions. ClinVar contains an entry for this variant (Variation ID: 1302214). Invitae Evidence Modeling of protein sequence and biophysical properties (such as structural, functional, and spatial information, amino acid conservation, physicochemical variation, residue mobility, and thermodynamic stability) indicates that this missense variant is expected to disrupt CSF2RB protein function with a positive predictive value of 80%. In summary, the available evidence is currently insufficient to determine the role of this variant in disease. Therefore, it has been classified as a Variant of Uncertain Significance.

Ambry Genetics
Classification: Uncertain significance for Inborn genetic diseases. Last evaluated: 2022-07-26. Review status: criteria provided, single submitter. Criteria: Ambry Variant Classification Scheme 2023. Collection method: clinical testing. Allele origin: germline.

GeneDx
Classification: Uncertain significance. Last evaluated: 2019-03-28. Review status: criteria provided, single submitter. Criteria: GeneDx Variant Classification Process June 2021. Collection method: clinical testing. Allele origin: germline. Affected: yes.
Comment: Has not been previously published as pathogenic or benign to our knowledge; In silico analysis, which includes protein predictors and evolutionary conservation, supports that this variant does not alter protein structure/function

NM_000395.3(CSF2RB):c.274G>A (p.Val92Met)

Genes: CSF2RB (colony stimulating factor 2 receptor subunit beta; plus strand), LOC126863140 (BRD4-independent group 4 enhancer GRCh37_chr22:37321546-37322745; plus strand). Cytogenetic location: 22q12.3.
Variant type: single nucleotide variant.
Coding change: c.274G>A on transcript NM_000395.3 (MANE Select); coding-DNA position 274, G replaced by A.
Protein change: p.Val92Met; replaces valine 92 with methionine.
Molecular consequence: missense variant.
Genome position (GRCh38, 1-based): chr22:36,926,060, G>A. VCF-style: chr22-36926060-G-A. GRCh37 (hg19) VCF-style: chr22-37322102-G-A.
Other names: short protein forms V92M.
Identifiers: ClinVar variation 1302214 (VCV001302214.8), dbSNP rs200666918, ClinGen allele CA10213427.